The following is an entry in ClinVar:

NM_000038.6(APC):c.2161_2170del (p.Gly721fs)

Gene: APC (APC regulator of Wnt signaling pathway; plus strand). Cytogenetic location: 5q22.2.
Variant type: Deletion.
Coding change: c.2161_2170del on transcript NM_000038.6 (MANE Select); coding-DNA positions 2161 to 2170, 10 bases deleted (GGAAGTGCTG; older notation c.2161_2170delGGAAGTGCTG).
Protein change: p.Gly721fs; shifts the reading frame from glycine 721.
Molecular consequence: frameshift variant.
Genome position (GRCh38, 1-based): chr5:112,837,755-112,837,764, GGAAGTGCTG deleted; deleting any 10 consecutive bases within chr5:112,837,753-112,837,764 gives the same sequence; the c. name uses the placement nearest the transcript's 3' end. VCF-style (leftmost placement, unchanged base first): chr5-112837752-ATGGGAAGTGC-A. GRCh37 (hg19) VCF-style: chr5-112173449-ATGGGAAGTGC-A.
Other names: c.2161_2170del, p.Gly721fs (NM_001127510.3, NM_001354895.2); c.2107_2116del, p.Gly703fs (NM_001127511.3); c.2215_2224del, p.Gly739fs (NM_001354896.2); c.2191_2200del, p.Gly731fs (NM_001354897.2); c.2086_2095del, p.Gly696fs (NM_001354898.2); c.2077_2086del, p.Gly693fs (NM_001354899.2); c.2038_2047del, p.Gly680fs (NM_001354900.2); c.1984_1993del, p.Gly662fs (NM_001354901.2); and 6 more; short protein forms G561fs, G662fs, G693fs, G703fs, G438fs, G680fs, G721fs, G731fs.
Identifiers: ClinVar variation 495355 (VCV000495355.9), dbSNP rs1554083981, ClinGen allele CA658683420.
Genomic context (GRCh38, chr5:112,837,752, plus strand): 5'-GACATGGGGGCAGTTAGCATGCTCAAGAACCTCATTCATTCAAAGCACAAAATGATTGCT[ATGGGAAGTGC>A]TGCAGCTTTAAGGAATCTCATGGCAAATAGGCCTGCGAAGTACAAGGATGCCAATATTAT-3'

ClinVar aggregate classification (germline): Pathogenic. Review status: criteria provided, multiple submitters, no conflicts (2 of 4 stars). 3 submissions from 3 submitters: Pathogenic (3). Last evaluated 2025-06-05.

Conditions:
Familial multiple polyposis syndrome (FAP). Also called: Familial adenomatous polyposis; Familial Adenomatous Polyposis (FAP); Familial intestinal polyposis; Familial polyposis; Classic familial adenomatous polyposis. Identifiers: Orphanet 733, MedGen C0032580, MONDO:0021055. Disease mechanism: loss of function.
Familial adenomatous polyposis 1 (FAP1). Also called: FAMILIAL ADENOMATOUS POLYPOSIS 1, ATTENUATED; POLYPOSIS, ADENOMATOUS INTESTINAL. Identifiers: MedGen C2713442, MONDO:0021056, OMIM 175100. Disease mechanism: loss of function.

Submissions (3):

Women's Health and Genetics/Laboratory Corporation of America, LabCorp
Classification: Pathogenic for Familial multiple polyposis syndrome. Last evaluated: 2025-06-05. Review status: criteria provided, single submitter. Criteria: LabCorp Variant Classification Summary - May 2015. Collection method: clinical testing. Allele origin: germline.
Comment: Variant summary: APC c.2161_2170del10 (p.Gly721GlnfsX3) results in a premature termination codon, predicted to cause a truncation of the encoded protein. Although, it does not result in nonsense mediated decay, pathogenic variants have been observed downstream in our laboratory. The variant was absent in 250430 control chromosomes. To our knowledge, no occurrence of c.2161_2170del10 in individuals affected with Familial Adenomatous Polyposis and no experimental evidence demonstrating its impact on protein function have been reported. ClinVar contains an entry for this variant (Variation ID: 495355). Based on the evidence outlined above, the variant was classified as pathogenic.

Myriad Genetics, Inc.
Classification: Pathogenic for Familial adenomatous polyposis 1. Last evaluated: 2023-05-04. Review status: criteria provided, single submitter. Criteria: Myriad Autosomal Dominant, Autosomal Recessive and X-Linked Classification Criteria (2023). Collection method: clinical testing. Allele origin: unknown.
Comment: This variant is considered pathogenic. This variant creates a frameshift predicted to result in premature protein truncation.

Labcorp Genetics (formerly Invitae), Labcorp
Classification: Pathogenic for Familial adenomatous polyposis 1. Last evaluated: 2021-10-13. Review status: criteria provided, single submitter. Criteria: Invitae Variant Classification Sherloc (09022015). Collection method: clinical testing. Allele origin: germline.
Comment: For these reasons, this variant has been classified as Pathogenic. This sequence change creates a premature translational stop signal (p.Gly721Glnfs*3) in the APC gene. While this is not anticipated to result in nonsense mediated decay, it is expected to disrupt the last 2123 amino acid(s) of the APC protein. This variant is not present in population databases (ExAC no frequency). This variant has not been reported in the literature in individuals affected with APC-related conditions. ClinVar contains an entry for this variant (Variation ID: 495355). This variant is expected to disrupt the EB1 and HDLG binding sites, which mediate interactions with the cytoskeleton (PMID: 15311282, 17293347). While functional studies have not been performed to directly test the effect on APC protein function, this suggests that disruption of the C-terminal portion of the protein is functionally important. This variant disrupts a region of the APC protein in which other variant(s) (p.Tyr2645Lysfs*14) have been determined to be pathogenic (PMID: 1316610, 8381579, 9824584, 22135120, 27081525; Invitae). This suggests that this is a clinically significant region of the protein, and that variants that disrupt it are likely to be disease-causing.

Literature cited by the submitters: PubMed 15311282 (cited by Labcorp Genetics (formerly Invitae), Labcorp); PubMed 17293347 (cited by Labcorp Genetics (formerly Invitae), Labcorp); PubMed 1316610 (cited by Labcorp Genetics (formerly Invitae), Labcorp); PubMed 8381579 (cited by Labcorp Genetics (formerly Invitae), Labcorp); PubMed 9824584 (cited by Labcorp Genetics (formerly Invitae), Labcorp); PubMed 22135120 (cited by Labcorp Genetics (formerly Invitae), Labcorp); PubMed 27081525 (cited by Labcorp Genetics (formerly Invitae), Labcorp).